The following is an entry in ClinVar:

ClinVar aggregate classification (germline): Likely benign. Review status: criteria provided, multiple submitters, no conflicts (2 of 4 stars). 2 submissions from 2 submitters: Likely benign (2). Last evaluated 2025-12-02.

Conditions:
Familial cancer of breast. Also called: Hereditary breast cancer; hereditary breast carcinoma; BREAST CANCER, FAMILIAL. Identifiers: Orphanet 227535, MedGen C0346153, MONDO:0016419, OMIM 114480. Disease mechanism: loss of function.

Submissions (2):

Labcorp Genetics (formerly Invitae), Labcorp
Classification: Likely benign for Familial cancer of breast. Last evaluated: 2025-12-02. Review status: criteria provided, single submitter. Criteria: Invitae Variant Classification Sherloc (09022015). Collection method: clinical testing. Allele origin: germline.

Myriad Genetics, Inc.
Classification: Likely benign for Familial cancer of breast. Last evaluated: 2025-01-17. Review status: criteria provided, single submitter. Criteria: Myriad Autosomal Dominant, Autosomal Recessive and X-Linked Classification Criteria (2023). Collection method: clinical testing. Allele origin: unknown.
Comment: This variant is considered likely benign. This variant is intronic and is not expected to impact mRNA splicing.

NM_024675.4(PALB2):c.2835-12T>C

Gene: PALB2 (partner and localizer of BRCA2; minus strand). Cytogenetic location: 16p12.2.
Variant type: single nucleotide variant.
Coding change: c.2835-12T>C on transcript NM_024675.4 (MANE Select); 12 bases into the intron before coding-DNA position 2835, T replaced by C.
Molecular consequence: intron variant.
Genome position (GRCh38, 1-based): chr16:23,623,142, A>G on the plus strand (T>C on the coding strand, the complement: PALB2 is on the minus strand). VCF-style: chr16-23623142-A-G. GRCh37 (hg19) VCF-style: chr16-23634463-A-G.
Other names: c.1950-12T>C (NM_001407308.1, NM_001407306.1, NM_001407309.1 and 4 more transcripts); c.369-12T>C (NM_001407314.1); c.1047-12T>C (NM_001407313.1, NM_001407312.1); c.2775-12T>C (NM_001407296.1); c.2763-12T>C (NM_001407297.1); c.2673-12T>C (NM_001407302.1, NM_001407298.1); c.2834+867T>C (NM_001407300.1); c.2835-12T>C (NM_001407299.1, NM_001407301.1); and 1 more.
Identifiers: ClinVar variation 3903465 (VCV003903465.2).
Genomic context (GRCh38, chr16:23,623,142, plus strand): 5'-CAGTAGTACTTGCTTTTCACTTTCATCATCAGAGGAACAAAACAATGCCCTAAGCCAAAT[A>G]TAAGGAAAAATGGGGTGATGTGAGGAGTAACCTTTTAATATTAAAGGACTAGGTTCACTT-3'